The following is an entry in ClinVar:

NM_022168.4(IFIH1):c.406G>A (p.Asp136Asn)

Gene: IFIH1 (interferon induced with helicase C domain 1; minus strand). Cytogenetic location: 2q24.2.
Variant type: single nucleotide variant.
Coding change: c.406G>A on transcript NM_022168.4 (MANE Select); coding-DNA position 406, G replaced by A.
Protein change: p.Asp136Asn; replaces aspartic acid 136 with asparagine.
Molecular consequence: missense variant.
Genome position (GRCh38, 1-based): chr2:162,317,902, C>T on the plus strand (G>A on the coding strand, the complement: IFIH1 is on the minus strand). VCF-style: chr2-162317902-C-T. GRCh37 (hg19) VCF-style: chr2-163174412-C-T.
Other names: short protein forms D136N.
Identifiers: ClinVar variation 1500290 (VCV001500290.6), dbSNP rs1683536418, ClinGen allele CA349013407.
Genomic context (GRCh38, chr2:162,317,902, plus strand): 5'-AACAGACACCTACCCGGTTTCTGTCTTCAATTGTCAACAGTTCCTCCTCCATGCACTTAT[C>T]CAAGACGTCTCTAACTAGAAGCTTGTCCACCAGAGTGGGCTGAAGGAGGTTCAGCAGTTG-3'
Protein context (NP_071451.2, residues 126-146): VDKLLVRDVL[Asp136Asn]KCMEEELLTI

ClinVar aggregate classification (germline): Uncertain significance (1 of 4 stars; one submission).

Conditions:
Singleton-Merten syndrome 1 (SGMRT1). Also called: Widened medullary cavities of bone, aortic calcification, abnormal dentition, and muscular weakness; Syndrome of widened medullary cavities of the metacarpals and phalanges, aortic calcification and abnormal dentition. Identifiers: Orphanet 85191, MedGen C4225427, MONDO:0024535, OMIM 182250.
Aicardi-Goutieres syndrome 7 (AGS7). Identifiers: Orphanet 51, MedGen C3888244, MONDO:0014367, OMIM 615846.

Allele frequency attached by ClinVar (database versions not stated): gnomAD exomes 0.00001.
gnomAD v4.1: 4 of 1,611,356 alleles (0.00025%); highest among the groups gnomAD compares: Non-Finnish European, 0.00034%; no homozygotes.

Submission:

Labcorp Genetics (formerly Invitae), Labcorp
Classification: Uncertain significance for Aicardi-Goutieres syndrome 7; Singleton-Merten syndrome 1. Last evaluated: 2025-03-30. Review status: criteria provided, single submitter. Criteria: Invitae Variant Classification Sherloc (09022015). Collection method: clinical testing. Allele origin: germline.
Comment: This sequence change replaces aspartic acid, which is acidic and polar, with asparagine, which is neutral and polar, at codon 136 of the IFIH1 protein (p.Asp136Asn). This variant is not present in population databases (gnomAD no frequency). This variant has not been reported in the literature in individuals affected with IFIH1-related conditions. ClinVar contains an entry for this variant (Variation ID: 1500290). Invitae Evidence Modeling of protein sequence and biophysical properties (such as structural, functional, and spatial information, amino acid conservation, physicochemical variation, residue mobility, and thermodynamic stability) has been performed for this missense variant. However, the output from this modeling did not meet the statistical confidence thresholds required to predict the impact of this variant on IFIH1 protein function. In summary, the available evidence is currently insufficient to determine the role of this variant in disease. Therefore, it has been classified as a Variant of Uncertain Significance.